The following is an entry in ClinVar:

NM_032608.7(MYO18B):c.1588C>G (p.Leu530Val)

Gene: MYO18B (myosin XVIIIB; plus strand). Cytogenetic location: 22q12.1.
Variant type: single nucleotide variant.
Coding change: c.1588C>G on transcript NM_032608.7 (MANE Select); coding-DNA position 1588, C replaced by G.
Protein change: p.Leu530Val; replaces leucine 530 with valine.
Molecular consequence: missense variant.
Genome position (GRCh38, 1-based): chr22:25,770,880, C>G. VCF-style: chr22-25770880-C-G. GRCh37 (hg19) VCF-style: chr22-26166847-C-G.
Other names: c.1588C>G (NM_032608.5); c.1588C>G, p.Leu530Val (NM_001318245.2); short protein forms L530V.
Identifiers: ClinVar variation 711250 (VCV000711250.14), dbSNP rs144405093, ClinGen allele CA10159896.

ClinVar aggregate classification (germline): Conflicting classifications of pathogenicity. Review status: criteria provided, conflicting classifications (1 of 4 stars). 5 submissions from 5 submitters: Uncertain significance (1); Benign (2); Likely benign (1). 1 of the submissions does not count toward it. Last evaluated 2026-01-27.

Conditions:
MYO18B-related disorder. Also called: MYO18B-related condition.
Inborn genetic diseases. Identifiers: MedGen C0950123, MeSH D030342.

Allele frequency attached by ClinVar (database versions not stated): ExAC 0.00152; ESP Exome Variant Server 0.00230; 1000 Genomes Project 30x 0.00297; 1000 Genomes Project 0.00319; gnomAD 0.00360 and 0.00394; TOPMed 0.00370; gnomAD exomes 0.00029 and 0.00070.
gnomAD v4.1: 980 of 1,551,856 alleles (0.063%); highest among the groups gnomAD compares: African/African-American, 1.2%; 6 homozygotes.

Submissions (5):

Labcorp Genetics (formerly Invitae), Labcorp
Classification: Benign. Last evaluated: 2026-01-27. Review status: criteria provided, single submitter. Criteria: Invitae Variant Classification Sherloc (09022015). Collection method: clinical testing. Allele origin: germline.

Blueprint Genetics
Classification: Likely benign. Last evaluated: 2024-08-28. Review status: criteria provided, single submitter. Criteria: ACMG Guidelines, 2015. Collection method: clinical testing. Allele origin: germline.

Ambry Genetics
Classification: Uncertain significance for Inborn genetic diseases. Last evaluated: 2021-07-16. Review status: criteria provided, single submitter. Criteria: Ambry Variant Classification Scheme 2023. Collection method: clinical testing. Allele origin: germline.

Breakthrough Genomics
Classification: Benign. Review status: criteria provided, single submitter. Criteria: ACMG Guidelines, 2015. Collection method: not provided. Allele origin: germline. Inheritance: Autosomal recessive inheritance. Affected: yes.

PreventionGenetics, part of Exact Sciences
Classification: Benign for MYO18B-related condition. Last evaluated: 2024-08-26. Review status: no assertion criteria provided. Collection method: clinical testing. Allele origin: germline. Not counted in ClinVar's aggregate classification.
Comment: This variant is classified as benign based on ACMG/AMP sequence variant interpretation guidelines (Richards et al. 2015 PMID: 25741868, with internal and published modifications).